The following is an entry in ClinVar:

ClinVar aggregate classification (germline): Uncertain significance (1 of 4 stars; one submission).

Submission:

GeneDx
Classification: Uncertain significance. Last evaluated: 2020-01-07. Review status: criteria provided, single submitter. Criteria: GeneDx Variant Classification Process June 2021. Collection method: clinical testing. Allele origin: germline. Affected: yes.
Comment: Not observed in large population cohorts (Lek et al., 2016); Has not been previously published as pathogenic or benign to our knowledge; In-silico analysis, which includes splice predictors and evolutionary conservation, is inconclusive as to whether the variant alters gene splicing. In the absence of RNA/functional studies, the actual effect of this sequence change is unknown.

NM_002074.5(GNB1):c.268-7T>A

Gene: GNB1 (G protein subunit beta 1; minus strand). Cytogenetic location: 1p36.33.
Variant type: single nucleotide variant.
Coding change: c.268-7T>A on transcript NM_002074.5 (MANE Select); 7 bases into the intron before coding-DNA position 268, T replaced by A.
Molecular consequence: intron variant.
Genome position (GRCh38, 1-based): chr1:1,804,588, A>T on the plus strand (T>A on the coding strand, the complement: GNB1 is on the minus strand). VCF-style: chr1-1804588-A-T. GRCh37 (hg19) VCF-style: chr1-1736027-A-T.
Other names: c.268-7T>A (NM_001282539.2); c.-33-7T>A (NM_001282538.2).
Identifiers: ClinVar variation 1316434 (VCV001316434.2), dbSNP rs2100700072, ClinGen allele CA2573051429.